The following is an entry in ClinVar:

NM_017612.5(ZCCHC8):c.2008A>G (p.Ile670Val)

Gene: ZCCHC8 (zinc finger CCHC-type containing 8; minus strand). Cytogenetic location: 12q24.31.
Variant type: single nucleotide variant.
Coding change: c.2008A>G on transcript NM_017612.5 (MANE Select); coding-DNA position 2008, A replaced by G.
Protein change: p.Ile670Val; replaces isoleucine 670 with valine.
Molecular consequence: missense variant.
Genome position (GRCh38, 1-based): chr12:122,473,613, T>C on the plus strand (A>G on the coding strand, the complement: ZCCHC8 is on the minus strand). VCF-style: chr12-122473613-T-C. GRCh37 (hg19) VCF-style: chr12-122958160-T-C.
Other names: c.1777A>G, p.Ile593Val (NM_001350935.2); c.1711A>G, p.Ile571Val (NM_001350936.2); c.1294A>G, p.Ile432Val (NM_001350937.2, NM_001350938.2); short protein forms I670V, I432V, I571V, I593V.
Identifiers: ClinVar variation 3690058 (VCV003690058.2).

ClinVar aggregate classification (germline): Uncertain significance (1 of 4 stars; one submission).

Submission:

Labcorp Genetics (formerly Invitae), Labcorp
Classification: Uncertain significance. Last evaluated: 2024-11-09. Review status: criteria provided, single submitter. Criteria: Invitae Variant Classification Sherloc (09022015). Collection method: clinical testing. Allele origin: germline.
Comment: This sequence change replaces isoleucine, which is neutral and non-polar, with valine, which is neutral and non-polar, at codon 670 of the ZCCHC8 protein (p.Ile670Val). This variant is present in population databases (no rsID available, gnomAD 0.01%). This variant has not been reported in the literature in individuals affected with ZCCHC8-related conditions. Invitae Evidence Modeling of protein sequence and biophysical properties (such as structural, functional, and spatial information, amino acid conservation, physicochemical variation, residue mobility, and thermodynamic stability) indicates that this missense variant is not expected to disrupt ZCCHC8 protein function with a negative predictive value of 80%. In summary, the available evidence is currently insufficient to determine the role of this variant in disease. Therefore, it has been classified as a Variant of Uncertain Significance.